The following is an entry in ClinVar:

GRCh37/hg19 17p11.2(chr17:16651293-20450566)x1

Genes: AKAP10 (A-kinase anchoring protein 10; minus strand), ALDH3A1 (aldehyde dehydrogenase 3 family member A1; minus strand), ALDH3A2 (aldehyde dehydrogenase 3 family member A2; plus strand), ALKBH5 (alkB homolog 5, RNA demethylase; plus strand), ATPAF2 (ATP synthase mitochondrial F1 complex assembly factor 2; minus strand) and 46 more. Cytogenetic location: 17p11.2.
Variant type: copy number loss.
Change: copy number 1 (one copy instead of two) of chr17:16,651,293-20,450,566 (3.80 Mb, GRCh37 coordinates, 1-based), cytogenetic band 17p11.2.
Identifiers: ClinVar variation 2685598 (VCV002685598.1).

ClinVar aggregate classification (germline): Pathogenic (1 of 4 stars; one submission).

Submission:

Quest Diagnostics Nichols Institute San Juan Capistrano
Classification: Pathogenic. Last evaluated: 2022-12-02. Review status: criteria provided, single submitter. Criteria: ACMG/ClinGen CNV Guidelines, 2019. Collection method: clinical testing. Allele origin: unknown.
Comment: This copy number loss involves multiple genes, including RAI1 (607642), haploinsufficiency of which is associated with Smith-Magenis syndrome (OMIM 182290; Rehm et al., N Engl J Med. 2015 Jun 4;372(23):2235-42. PMID: 26014595 (HGNC:9834); Falco et al., Appl Clin Genet. 2017 Nov 3;10:85-94. PMID: 29138588; Girirajan et al., Genet Med. 2006 Jul;8(7):417-27. PMID: 16845274; Gropman et al., Curr Opin Neurol. 2007 Apr;20(2):125-34. PMID: 17351481; Rinaldi et al., Genes (Basel). 2022 Feb 11;13(2):335. PMID: 35205380). See GeneReviews for additional information and references.